The following is an entry in ClinVar:

NM_001042432.2(CLN3):c.283G>A (p.Val95Ile)

Gene: CLN3 (CLN3 lysosomal/endosomal transmembrane protein, battenin; minus strand). Cytogenetic location: 16p12.1.
Variant type: single nucleotide variant.
Coding change: c.283G>A on transcript NM_001042432.2 (MANE Select); coding-DNA position 283, G replaced by A.
Protein change: p.Val95Ile; replaces valine 95 with isoleucine.
Molecular consequence: missense variant. On other transcripts: synonymous variant (1), intron variant (2).
Genome position (GRCh38, 1-based): chr16:28,488,602, C>T on the plus strand (G>A on the coding strand, the complement: CLN3 is on the minus strand). VCF-style: chr16-28488602-C-T. GRCh37 (hg19) VCF-style: chr16-28499923-C-T.
Other names: c.283G>A, p.Val95Ile (NM_000086.2); c.63G>A, p.Leu21= (NM_001286105.2); c.121G>A, p.Val41Ile (NM_001286110.2); c.60+688G>A (NM_001286109.2); c.222+688G>A (NM_001286104.2); short protein forms V95I, V41I.
Identifiers: ClinVar variation 575945 (VCV000575945.6), dbSNP rs763659524, ClinGen allele CA395346207.

ClinVar aggregate classification (germline): Uncertain significance (1 of 4 stars; one submission).

Conditions:
Neuronal ceroid lipofuscinosis. Also called: Neuronal Ceroid Lipofuscinoses. Identifiers: Orphanet 216, Orphanet 79263, MedGen C0027877, MONDO:0016295. Disease mechanism: loss of function.

gnomAD v4.1: 3 of 1,614,154 alleles (0.00019%); highest among the groups gnomAD compares: South Asian, 0.0011%; no homozygotes.

Submission:

Labcorp Genetics (formerly Invitae), Labcorp
Classification: Uncertain significance for Neuronal ceroid lipofuscinosis. Last evaluated: 2022-09-20. Review status: criteria provided, single submitter. Criteria: Invitae Variant Classification Sherloc (09022015). Collection method: clinical testing. Allele origin: germline.
Comment: This sequence change replaces valine, which is neutral and non-polar, with isoleucine, which is neutral and non-polar, at codon 95 of the CLN3 protein (p.Val95Ile). This variant is present in population databases (no rsID available, gnomAD 0.003%). This variant has not been reported in the literature in individuals affected with CLN3-related conditions. ClinVar contains an entry for this variant (Variation ID: 575945). Advanced modeling of protein sequence and biophysical properties (such as structural, functional, and spatial information, amino acid conservation, physicochemical variation, residue mobility, and thermodynamic stability) performed at Invitae indicates that this missense variant is not expected to disrupt CLN3 protein function. In summary, the available evidence is currently insufficient to determine the role of this variant in disease. Therefore, it has been classified as a Variant of Uncertain Significance.